The following is an entry in ClinVar:

NM_145261.4(DNAJC19):c.4G>A (p.Ala2Thr)

Gene: DNAJC19 (DnaJ heat shock protein family (Hsp40) member C19; minus strand). Cytogenetic location: 3q26.33.
Variant type: single nucleotide variant.
Coding change: c.4G>A on transcript NM_145261.4 (MANE Select); coding-DNA position 4, G replaced by A.
Protein change: p.Ala2Thr; replaces alanine 2 with threonine.
Molecular consequence: missense variant. On other transcripts: 5 prime UTR variant (1), non-coding transcript variant (2).
Genome position (GRCh38, 1-based): chr3:180,988,229, C>T on the plus strand (G>A on the coding strand, the complement: DNAJC19 is on the minus strand). VCF-style: chr3-180988229-C-T. GRCh37 (hg19) VCF-style: chr3-180706017-C-T.
Other names: c.-72G>A (NM_001190233.2); short protein forms A2T.
Identifiers: ClinVar variation 2165764 (VCV002165764.3), dbSNP rs1715010087, ClinGen allele CA355472867.

ClinVar aggregate classification (germline): Uncertain significance (1 of 4 stars; one submission).

Conditions:
3-methylglutaconic aciduria type 5. Also called: MGA, TYPE V; CARDIOMYOPATHY, DILATED, WITH ATAXIA; 3 alpha methylglutaconic aciduria type V; MGA 5. Identifiers: Orphanet 66634, MedGen C1857776, MONDO:0012435, OMIM 610198.

Allele frequency attached by ClinVar (database versions not stated): TOPMed below 0.00001.

Submission:

Labcorp Genetics (formerly Invitae), Labcorp
Classification: Uncertain significance for 3-methylglutaconic aciduria type 5. Last evaluated: 2022-10-17. Review status: criteria provided, single submitter. Criteria: Invitae Variant Classification Sherloc (09022015). Collection method: clinical testing. Allele origin: germline.
Comment: In summary, the available evidence is currently insufficient to determine the role of this variant in disease. Therefore, it has been classified as a Variant of Uncertain Significance. Algorithms developed to predict the effect of missense changes on protein structure and function are either unavailable or do not agree on the potential impact of this missense change (SIFT: "Tolerated"; PolyPhen-2: "Probably Damaging"; Align-GVGD: "Class C0"). This variant has not been reported in the literature in individuals affected with DNAJC19-related conditions. This variant is not present in population databases (gnomAD no frequency). This sequence change replaces alanine, which is neutral and non-polar, with threonine, which is neutral and polar, at codon 2 of the DNAJC19 protein (p.Ala2Thr).